The following is an entry in ClinVar:

NM_033026.6(PCLO):c.7006T>C (p.Ser2336Pro)

Gene: PCLO (piccolo presynaptic cytomatrix protein; minus strand). Cytogenetic location: 7q21.11.
Variant type: single nucleotide variant.
Coding change: c.7006T>C on transcript NM_033026.6 (MANE Select); coding-DNA position 7006, T replaced by C.
Protein change: p.Ser2336Pro; replaces serine 2336 with proline.
Molecular consequence: missense variant.
Genome position (GRCh38, 1-based): chr7:82,953,947, A>G on the plus strand (T>C on the coding strand, the complement: PCLO is on the minus strand). VCF-style: chr7-82953947-A-G. GRCh37 (hg19) VCF-style: chr7-82583263-A-G.
Other names: c.7006T>C, p.Ser2336Pro (NM_014510.3); short protein forms S2336P.
Identifiers: ClinVar variation 1377021 (VCV001377021.5), dbSNP rs2116443551, ClinGen allele CA367917889.

ClinVar aggregate classification (germline): Uncertain significance (1 of 4 stars; one submission).

Submission:

Labcorp Genetics (formerly Invitae), Labcorp
Classification: Uncertain significance. Last evaluated: 2023-06-29. Review status: criteria provided, single submitter. Criteria: Invitae Variant Classification Sherloc (09022015). Collection method: clinical testing. Allele origin: germline.
Comment: In summary, the available evidence is currently insufficient to determine the role of this variant in disease. Therefore, it has been classified as a Variant of Uncertain Significance. Algorithms developed to predict the effect of missense changes on protein structure and function output the following: SIFT: "Not Available"; PolyPhen-2: "Not Available"; Align-GVGD: "Not Available". The proline amino acid residue is found in multiple mammalian species, which suggests that this missense change does not adversely affect protein function. ClinVar contains an entry for this variant (Variation ID: 1377021). This variant has not been reported in the literature in individuals affected with PCLO-related conditions. This variant is not present in population databases (gnomAD no frequency). This sequence change replaces serine, which is neutral and polar, with proline, which is neutral and non-polar, at codon 2336 of the PCLO protein (p.Ser2336Pro).